The following is an entry in ClinVar:

ClinVar aggregate classification (germline): Uncertain significance (1 of 4 stars; one submission).

Conditions:
Cardiovascular phenotype. Identifiers: MedGen CN230736.

Submission:

Ambry Genetics
Classification: Uncertain significance for Cardiovascular phenotype. Last evaluated: 2026-08-23. Review status: criteria provided, single submitter. Criteria: Ambry Variant Classification Scheme 2023. Collection method: clinical testing. Allele origin: germline.
Comment: The p.N444D variant (also known as c.1330A>G), located in coding exon 11 of the ENG gene, results from an A to G substitution at nucleotide position 1330. The asparagine at codon 444 is replaced by aspartic acid, an amino acid with highly similar properties. This amino acid position is conserved. In addition, this alteration is predicted to be tolerated by in silico analysis. Based on the available evidence, the clinical significance of this variant remains unclear.

NM_001114753.3(ENG):c.1330A>G (p.Asn444Asp)

Genes: ENG (endoglin; minus strand), LOC102723566 (uncharacterized LOC102723566; plus strand). Cytogenetic location: 9q34.11.
Variant type: single nucleotide variant.
Coding change: c.1330A>G on transcript NM_001114753.3 (MANE Select); coding-DNA position 1330, A replaced by G.
Protein change: p.Asn444Asp; replaces asparagine 444 with aspartic acid.
Molecular consequence: missense variant.
Genome position (GRCh38, 1-based): chr9:127,818,814, T>C on the plus strand (A>G on the coding strand, the complement: ENG is on the minus strand). VCF-style: chr9-127818814-T-C. GRCh37 (hg19) VCF-style: chr9-130581093-T-C.
Other names: c.1330A>G, p.Asn444Asp (NM_000118.4); c.784A>G, p.Asn262Asp (NM_001278138.2); short protein forms N262D, N444D.
Identifiers: ClinVar variation 5035982 (VCV005035982.1).